The following is an entry in ClinVar:

NM_002661.5(PLCG2):c.2235+3A>G

Gene: PLCG2 (phospholipase C gamma 2; plus strand). Cytogenetic location: 16q23.3.
Variant type: single nucleotide variant.
Coding change: c.2235+3A>G on transcript NM_002661.5 (MANE Select); 3 bases into the intron after coding-DNA position 2235, A replaced by G.
Molecular consequence: intron variant.
Genome position (GRCh38, 1-based): chr16:81,919,667, A>G. VCF-style: chr16-81919667-A-G. GRCh37 (hg19) VCF-style: chr16-81953272-A-G.
Identifiers: ClinVar variation 1382823 (VCV001382823.7), dbSNP rs544435013, ClinGen allele CA8194128.

ClinVar aggregate classification (germline): Uncertain significance. Review status: criteria provided, multiple submitters, no conflicts (2 of 4 stars). 2 submissions from 2 submitters: Uncertain significance (2). Last evaluated 2025-11-16.

Conditions:
Familial cold autoinflammatory syndrome 3 (FCAS3). Also called: FAMILIAL ATYPICAL COLD URTICARIA; ANTIBODY DEFICIENCY AND IMMUNE DYSREGULATION, PLCG2-ASSOCIATED. Identifiers: Orphanet 300359, MedGen C3280914, MONDO:0013766, OMIM 614468.
Autoinflammation-PLCG2-associated antibody deficiency-immune dysregulation. Also called: AUTOINFLAMMATION, ANTIBODY DEFICIENCY, AND IMMUNE DYSREGULATION; Autoinflammation, antibody deficiency, and immune dysregulation syndrome; Autoinflammation, antibody deficiency, and immune dysregulation, plcg2-associated. Identifiers: Orphanet 324530, MedGen C3553961, MONDO:0013944, OMIM 614878.

Allele frequency attached by ClinVar (database versions not stated): gnomAD exomes 0.00002; TOPMed 0.00002; ExAC 0.00003; gnomAD 0.00003.
gnomAD v4.1: 17 of 1,610,420 alleles (0.0011%); highest among the groups gnomAD compares: Admixed American, 0.028%; no homozygotes.

Submissions (2):

Labcorp Genetics (formerly Invitae), Labcorp
Classification: Uncertain significance for Familial cold autoinflammatory syndrome 3. Last evaluated: 2025-11-16. Review status: criteria provided, single submitter. Criteria: Invitae Variant Classification Sherloc (09022015). Collection method: clinical testing. Allele origin: germline.
Comment: This sequence change falls in intron 20 of the PLCG2 gene. It does not directly change the encoded amino acid sequence of the PLCG2 protein. It affects a nucleotide within the consensus splice site. This variant is present in population databases (rs544435013, gnomAD 0.02%). This variant has not been reported in the literature in individuals affected with PLCG2-related conditions. ClinVar contains an entry for this variant (Variation ID: 1382823). Variants that disrupt the consensus splice site are a relatively common cause of aberrant splicing (PMID: 17576681, 9536098). Algorithms developed to predict the effect of sequence changes on RNA splicing suggest that this variant is not likely to affect RNA splicing. In summary, the available evidence is currently insufficient to determine the role of this variant in disease. Therefore, it has been classified as a Variant of Uncertain Significance.

Fulgent Genetics
Classification: Uncertain significance for Familial cold autoinflammatory syndrome 3; Autoinflammation-PLCG2-associated antibody deficiency-immune dysregulation. Last evaluated: 2022-02-05. Review status: criteria provided, single submitter. Criteria: ACMG Guidelines, 2015. Collection method: clinical testing. Allele origin: unknown.

Literature cited by the submitters: PubMed 17576681 (cited by Labcorp Genetics (formerly Invitae), Labcorp); PubMed 9536098 (cited by Labcorp Genetics (formerly Invitae), Labcorp).